The following is an entry in ClinVar:

NM_000074.3(CD40LG):c.346+5G>T

Gene: CD40LG (CD40 ligand; plus strand). Cytogenetic location: Xq26.3.
Variant type: single nucleotide variant.
Coding change: c.346+5G>T on transcript NM_000074.3 (MANE Select); 5 bases into the intron after coding-DNA position 346, G replaced by T.
Molecular consequence: intron variant.
Genome position (GRCh38, 1-based): chrX:136,654,435, G>T. VCF-style: chrX-136654435-G-T. GRCh37 (hg19) VCF-style: chrX-135736594-G-T.
Identifiers: ClinVar variation 3377533 (VCV003377533.1).

ClinVar aggregate classification (germline): Uncertain significance (1 of 4 stars; one submission).

Conditions:
Hyper-IgM syndrome type 1. Also called: X-linked hyper-IgM syndrome; CD40 Ligand Deficiency; Hyper-IgM Immunodeficiency Syndrome, Type 1; Immunodeficiency, X-linked, with hyper-IgM. Identifiers: Orphanet 101088, MedGen C0398689, MONDO:0010626, OMIM 308230.

Submission:

Neuberg Centre For Genomic Medicine, NCGM
Classification: Uncertain significance for Hyper-IgM syndrome type 1. Last evaluated: 2023-06-22. Review status: criteria provided, single submitter. Criteria: ACMG Guidelines, 2015. Collection method: clinical testing. Allele origin: germline. Inheritance: X-linked recessive inheritance. Affected: yes.
Comment: The splice site c.346+5G>T variant in the CD40LG gene has not been reported previously as a pathogenic variant nor as a benign variant, to our knowledge. The variant is absent in the gnomAD Exomes. This splice variant in intron 3 affects the position five nucleotides downstream of exon 3. Splice site prediction tools predict a moderate splicing effect for this variant. Further studies are required to prove the pathogenicity of this variant. For these reasons, this variant has been classified as Uncertain Significance.